The following is an entry in ClinVar:

NM_006979.3(SLC39A7):c.811A>G (p.Lys271Glu)

Gene: SLC39A7 (solute carrier family 39 member 7; plus strand). Cytogenetic location: 6p21.32.
Variant type: single nucleotide variant.
Coding change: c.811A>G on transcript NM_006979.3 (MANE Select); coding-DNA position 811, A replaced by G.
Protein change: p.Lys271Glu; replaces lysine 271 with glutamic acid.
Molecular consequence: missense variant.
Genome position (GRCh38, 1-based): chr6:33,202,571, A>G. VCF-style: chr6-33202571-A-G. GRCh37 (hg19) VCF-style: chr6-33170348-A-G.
Other names: c.811A>G, p.Lys271Glu (NM_001077516.2); c.436A>G, p.Lys146Glu (NM_001288777.2); short protein forms K271E, K146E.
Identifiers: ClinVar variation 1359435 (VCV001359435.8), dbSNP rs2150685417, ClinGen allele CA363643343.

ClinVar aggregate classification (germline): Uncertain significance (1 of 4 stars; one submission).

Submission:

Labcorp Genetics (formerly Invitae), Labcorp
Classification: Uncertain significance. Last evaluated: 2025-09-02. Review status: criteria provided, single submitter. Criteria: Invitae Variant Classification Sherloc (09022015). Collection method: clinical testing. Allele origin: germline.
Comment: This sequence change replaces lysine, which is basic and polar, with glutamic acid, which is acidic and polar, at codon 271 of the SLC39A7 protein (p.Lys271Glu). This variant is not present in population databases (gnomAD no frequency). This variant has not been reported in the literature in individuals affected with SLC39A7-related conditions. ClinVar contains an entry for this variant (Variation ID: 1359435). An algorithm developed to predict the effect of missense changes on protein structure and function (PolyPhen-2) suggests that this variant is likely to be tolerated. In summary, the available evidence is currently insufficient to determine the role of this variant in disease. Therefore, it has been classified as a Variant of Uncertain Significance.